The following is an entry in ClinVar:

ClinVar aggregate classification (germline): Uncertain significance (1 of 4 stars; one submission).

gnomAD v4.1: 10 of 1,614,008 alleles (0.00062%); highest among the groups gnomAD compares: Non-Finnish European, 0.00085%; no homozygotes.

Submission:

GeneDx
Classification: Uncertain significance. Last evaluated: 2024-04-22. Review status: criteria provided, single submitter. Criteria: GeneDx Variant Classification Process June 2021. Collection method: clinical testing. Allele origin: germline. Affected: yes.
Comment: Not observed at significant frequency in large population cohorts (gnomAD); In silico analysis supports that this missense variant does not alter protein structure/function; Has not been previously published as pathogenic or benign to our knowledge

NM_004974.4(KCNA2):c.1424A>C (p.Glu475Ala)

Gene: KCNA2 (potassium voltage-gated channel subfamily A member 2; minus strand). Cytogenetic location: 1p13.3.
Variant type: single nucleotide variant.
Coding change: c.1424A>C on transcript NM_004974.4 (MANE Select); coding-DNA position 1424, A replaced by C.
Protein change: p.Glu475Ala; replaces glutamic acid 475 with alanine.
Molecular consequence: missense variant. On other transcripts: intron variant (1).
Genome position (GRCh38, 1-based): chr1:110,603,359, T>G on the plus strand (A>C on the coding strand, the complement: KCNA2 is on the minus strand). VCF-style: chr1-110603359-T-G. GRCh37 (hg19) VCF-style: chr1-111145981-T-G.
Other names: c.894+530A>C (NM_001204269.2); short protein forms E475A.
Identifiers: ClinVar variation 3369187 (VCV003369187.1).